The following is an entry in ClinVar:

NM_001134407.3(GRIN2A):c.*3721T>C

Gene: GRIN2A (glutamate ionotropic receptor NMDA type subunit 2A; minus strand). Cytogenetic location: 16p13.2.
Variant type: single nucleotide variant.
Coding change: c.*3721T>C on transcript NM_001134407.3 (MANE Select); 3721 bases downstream of the stop codon, T replaced by C.
Molecular consequence: 3 prime UTR variant.
Genome position (GRCh38, 1-based): chr16:9,759,428, A>G on the plus strand (T>C on the coding strand, the complement: GRIN2A is on the minus strand). VCF-style: chr16-9759428-A-G. GRCh37 (hg19) VCF-style: chr16-9853285-A-G.
Other names: c.*3721T>C (NM_000833.5); c.*3927T>C (NM_001134408.2).
Identifiers: ClinVar variation 321547 (VCV000321547.5), dbSNP rs16966262, ClinGen allele CA10638753.
Genomic context (GRCh38, chr16:9,759,428, plus strand): 5'-GCAGAATATTAAATACACATCAGTGGTCGACATAGCAAATAGAATAAACAATGTGTGACT[A>G]TATGACAGCTGTGGATCTTTTGACTAATTAACTGCCTTGGCTAGAGTCCCATTTAAGTGA-3'

ClinVar aggregate classification (germline): Benign (1 of 4 stars; one submission).

Conditions:
Landau-Kleffner syndrome (FESD). Also called: EPILEPSY, FOCAL, WITH SPEECH DISORDER AND WITH OR WITHOUT MENTAL RETARDATION; APHASIA, ACQUIRED, WITH EPILEPSY. Identifiers: Orphanet 1945, Orphanet 725, Orphanet 98818, MedGen C0282512, MONDO:0009509, OMIM 245570.

Allele frequency attached by ClinVar (database versions not stated): gnomAD exomes 0.00414; 1000 Genomes Project 0.02177; TOPMed 0.02310; 1000 Genomes Project 30x 0.02452; gnomAD 0.02026 and 0.02182.
gnomAD v4.1: 3,377 of 225,310 alleles (1.5%); highest among the groups gnomAD compares: African/African-American, 6.9%; 95 homozygotes.

Submission:

Illumina Laboratory Services, Illumina
Classification: Benign for Landau-Kleffner syndrome. Last evaluated: 2018-01-13. Review status: criteria provided, single submitter. Criteria: ICSL Variant Classification Criteria 13 December 2019. Collection method: clinical testing. Allele origin: germline.
Comment: This variant was observed in the ICSL laboratory as part of a predisposition screen in an ostensibly healthy population. It had not been previously curated by ICSL or reported in the Human Gene Mutation Database (HGMD: prior to June 1st, 2018), and was therefore a candidate for classification through an automated scoring system. Utilizing variant allele frequency, disease prevalence and penetrance estimates, and inheritance mode, an automated score was calculated to assess if this variant is too frequent to cause the disease. Based on the score and internal cut-off values, a variant classified as benign is not then subjected to further curation. The score for this variant resulted in a classification of benign for this disease.